The following is an entry in ClinVar:

NM_001037333.3(CYFIP2):c.399C>T (p.Ile133=)

Gene: CYFIP2 (cytoplasmic FMR1 interacting protein 2; plus strand). Cytogenetic location: 5q33.3.
Variant type: single nucleotide variant.
Coding change: c.399C>T on transcript NM_001037333.3 (MANE Select); coding-DNA position 399, C replaced by T.
Protein change: p.Ile133=; no amino-acid change (isoleucine 133 retained).
Molecular consequence: synonymous variant.
Genome position (GRCh38, 1-based): chr5:157,300,726, C>T. VCF-style: chr5-157300726-C-T. GRCh37 (hg19) VCF-style: chr5-156727734-C-T.
Other names: c.399C>T (NM_001291722.1); c.321C>T, p.Ile107= (NM_001291721.2); c.399C>T, p.Ile133= (NM_001291722.2, NM_014376.4).
Identifiers: ClinVar variation 1169453 (VCV001169453.12), dbSNP rs148895189, ClinGen allele CA3533363.
Genomic context (GRCh38, chr5:157,300,726, plus strand): 5'-CCCCATAAGGGAGCACAGTGGACCTTACTCACTGCCCCTCTGCCCCCAGCGCAAGGCCAT[C>T]GAGCGGTTCTGCAGCGAGGTGAAGCGGCTGTGCCATGCCGAGCGCAGGAAGGACTTTGTC-3'
Protein context (NP_001032410.1, residues 123-143): MKFMYFQRKA[Ile133=]ERFCSEVKRL

ClinVar aggregate classification (germline): Benign/Likely benign. Review status: criteria provided, multiple submitters, no conflicts (2 of 4 stars). 3 submissions from 3 submitters: Benign (1); Likely benign (1). 1 of the submissions does not count toward it. Last evaluated 2026-01-28.

Conditions:
CYFIP2-related disorder. Also called: CYFIP2-related condition.

Allele frequency attached by ClinVar (database versions not stated): gnomAD exomes 0.00066; ExAC 0.00113; gnomAD 0.00243 and 0.00265; ESP Exome Variant Server 0.00246; 1000 Genomes Project 0.00260; 1000 Genomes Project 30x 0.00265.
gnomAD v4.1: 780 of 1,598,244 alleles (0.049%); highest among the groups gnomAD compares: African/African-American, 0.93%; 3 homozygotes.

Submissions (3):

Labcorp Genetics (formerly Invitae), Labcorp
Classification: Benign. Last evaluated: 2026-01-28. Review status: criteria provided, single submitter. Criteria: Invitae Variant Classification Sherloc (09022015). Collection method: clinical testing. Allele origin: germline.

Blueprint Genetics
Classification: Likely benign. Last evaluated: 2024-09-11. Review status: criteria provided, single submitter. Criteria: ACMG Guidelines, 2015. Collection method: clinical testing. Allele origin: germline.

PreventionGenetics, part of Exact Sciences
Classification: Benign for CYFIP2-related condition. Last evaluated: 2019-05-25. Review status: no assertion criteria provided. Collection method: clinical testing. Allele origin: germline. Not counted in ClinVar's aggregate classification.
Comment: This variant is classified as benign based on ACMG/AMP sequence variant interpretation guidelines (Richards et al. 2015 PMID: 25741868, with internal and published modifications).